The following is an entry in ClinVar:

ClinVar aggregate classification (germline): Uncertain significance. Review status: criteria provided, multiple submitters, no conflicts (2 of 4 stars). 3 submissions from 3 submitters: Uncertain significance (3). Last evaluated 2026-01-12.

Conditions:
Cardiovascular phenotype. Identifiers: MedGen CN230736.
Brugada syndrome 8 (BRGDA8). Identifiers: Orphanet 130, MedGen C2751083, MONDO:0013148, OMIM 613123.

Allele frequency attached by ClinVar (database versions not stated): TOPMed below 0.00001.
gnomAD v4.1: 9 of 1,600,912 alleles (0.00056%); highest among the groups gnomAD compares: Middle Eastern, 0.017%; no homozygotes.

Submissions (3):

Ambry Genetics
Classification: Uncertain significance for Cardiovascular phenotype. Last evaluated: 2026-01-12. Review status: criteria provided, single submitter. Criteria: Ambry Variant Classification Scheme 2023. Collection method: clinical testing. Allele origin: germline.
Comment: The p.R828W variant (also known as c.2482C>T), located in coding exon 8 of the HCN4 gene, results from a C to T substitution at nucleotide position 2482. The arginine at codon 828 is replaced by tryptophan, an amino acid with dissimilar properties. This amino acid position is conserved. In addition, the in silico prediction for this alteration is inconclusive. Based on the available evidence, the clinical significance of this variant remains unclear.

Labcorp Genetics (formerly Invitae), Labcorp
Classification: Uncertain significance for Brugada syndrome 8. Last evaluated: 2025-09-13. Review status: criteria provided, single submitter. Criteria: Invitae Variant Classification Sherloc (09022015). Collection method: clinical testing. Allele origin: germline.
Comment: This sequence change replaces arginine, which is basic and polar, with tryptophan, which is neutral and slightly polar, at codon 828 of the HCN4 protein (p.Arg828Trp). This variant is not present in population databases (gnomAD no frequency). This variant has not been reported in the literature in individuals affected with HCN4-related conditions. ClinVar contains an entry for this variant (Variation ID: 636394). Invitae Evidence Modeling of protein sequence and biophysical properties (such as structural, functional, and spatial information, amino acid conservation, physicochemical variation, residue mobility, and thermodynamic stability) has been performed for this missense variant. However, the output from this modeling did not meet the statistical confidence thresholds required to predict the impact of this variant on HCN4 protein function. In summary, the available evidence is currently insufficient to determine the role of this variant in disease. Therefore, it has been classified as a Variant of Uncertain Significance.

Molecular Diagnostic Laboratory for Inherited Cardiovascular Disease, Montreal Heart Institute
Classification: Uncertain significance for Cardiovascular phenotype. Last evaluated: 2025-07-24. Review status: criteria provided, single submitter. Criteria: ACMG Guidelines, 2015. Collection method: clinical testing. Allele origin: germline. Affected: yes.

NM_005477.3(HCN4):c.2482C>T (p.Arg828Trp)

Gene: HCN4 (hyperpolarization activated cyclic nucleotide gated potassium channel 4; minus strand). Cytogenetic location: 15q24.1.
Variant type: single nucleotide variant.
Coding change: c.2482C>T on transcript NM_005477.3 (MANE Select); coding-DNA position 2482, C replaced by T.
Protein change: p.Arg828Trp; replaces arginine 828 with tryptophan.
Molecular consequence: missense variant.
Genome position (GRCh38, 1-based): chr15:73,323,611, G>A on the plus strand (C>T on the coding strand, the complement: HCN4 is on the minus strand). VCF-style: chr15-73323611-G-A. GRCh37 (hg19) VCF-style: chr15-73615952-G-A.
Other names: short protein forms R828W.
Identifiers: ClinVar variation 636394 (VCV000636394.5), dbSNP rs1281853703, ClinGen allele CA393088808.